The following is an entry in ClinVar:

NM_002010.3(FGF9):c.399G>A (p.Glu133=)

Gene: FGF9 (fibroblast growth factor 9; plus strand). Cytogenetic location: 13q12.11.
Variant type: single nucleotide variant.
Coding change: c.399G>A on transcript NM_002010.3 (MANE Select); coding-DNA position 399, G replaced by A.
Protein change: p.Glu133=; no amino-acid change (glutamic acid 133 retained).
Molecular consequence: synonymous variant.
Genome position (GRCh38, 1-based): chr13:21,701,207, G>A. VCF-style: chr13-21701207-G-A. GRCh37 (hg19) VCF-style: chr13-22275346-G-A.
Other names: c.399G>A (NM_002010.2).
Identifiers: ClinVar variation 1908716 (VCV001908716.6), dbSNP rs770847282, ClinGen allele CA6909490.

ClinVar aggregate classification (germline): Likely benign. Review status: criteria provided, multiple submitters, no conflicts (2 of 4 stars). 2 submissions from 2 submitters: Likely benign (2). Last evaluated 2025-06-18.

Conditions:
FGF9-related disorder. Also called: FGF9-related condition.

Allele frequency attached by ClinVar (database versions not stated): gnomAD 0.00001; ExAC 0.00002; TOPMed 0.00002.

Submissions (2):

PreventionGenetics, part of Exact Sciences
Classification: Likely benign for FGF9-related condition. Last evaluated: 2025-06-18. Review status: criteria provided, single submitter. Criteria: ACMG Guidelines, 2015. Collection method: clinical testing. Allele origin: germline.
Comment: This variant is classified as likely benign based on ACMG/AMP sequence variant interpretation guidelines (Richards et al. 2015 PMID: 25741868, with internal and published modifications).

Labcorp Genetics (formerly Invitae), Labcorp
Classification: Likely benign. Last evaluated: 2025-03-04. Review status: criteria provided, single submitter. Criteria: Invitae Variant Classification Sherloc (09022015). Collection method: clinical testing. Allele origin: germline.